The following is an entry in ClinVar:

NM_000141.5(FGFR2):c.2057+256C>T

Gene: FGFR2 (fibroblast growth factor receptor 2; minus strand). Cytogenetic location: 10q26.13.
Variant type: single nucleotide variant.
Coding change: c.2057+256C>T on transcript NM_000141.5 (MANE Select); 256 bases into the intron after coding-DNA position 2057, C replaced by T.
Molecular consequence: intron variant.
Genome position (GRCh38, 1-based): chr10:121,487,098, G>A on the plus strand (C>T on the coding strand, the complement: FGFR2 is on the minus strand). VCF-style: chr10-121487098-G-A. GRCh37 (hg19) VCF-style: chr10-123246612-G-A.
Other names: c.1721+256C>T (NM_001144914.1); c.1706+256C>T (NM_001144918.2, NM_001441091.1); c.1712+256C>T (NM_001441090.1, NM_001144916.2); c.1784+256C>T (NM_001441089.1); c.1790+256C>T (NM_023029.3, NM_001144915.2); c.1787+256C>T (NM_001441088.1); c.1709+256C>T (NM_001144917.2); c.2051+256C>T (NM_001320658.2); and 4 more.
Identifiers: ClinVar variation 667900 (VCV000667900.1), dbSNP rs2288336, ClinGen allele CA13206485.
Genomic context (GRCh38, chr10:121,487,098, plus strand): 5'-GAACATGCCAAGAGCTTGGCGAATTAGATAACCGCTTTGTAGTTGCACATCCATGAATAT[G>A]TTCAAGGGAAGGACTTCCGCTCTGGCAGGGGGAGGTCAGCAGTTCCACCTTCTGTGCTCT-3'

ClinVar aggregate classification (germline): Benign (1 of 4 stars; one submission).

Allele frequency attached by ClinVar (database versions not stated): 1000 Genomes Project 0.41154; 1000 Genomes Project 30x 0.41224; gnomAD 0.46149 and 0.46634; TOPMed 0.46800.
gnomAD v4.1: 71,016 of 152,146 alleles (47%); highest among the groups gnomAD compares: Admixed American, 62%; 18,493 homozygotes.

Submission:

GeneDx
Classification: Benign. Last evaluated: 2018-06-14. Review status: criteria provided, single submitter. Criteria: GeneDx Variant Classification (06012015). Collection method: clinical testing. Allele origin: germline. Affected: yes.
Comment: This variant is considered likely benign or benign based on one or more of the following criteria: it is a conservative change, it occurs at a poorly conserved position in the protein, it is predicted to be benign by multiple in silico algorithms, and/or has population frequency not consistent with disease.